The following is an entry in ClinVar:

ClinVar aggregate classification (germline): Uncertain significance (1 of 4 stars; one submission).

Allele frequency attached by ClinVar (database versions not stated): gnomAD exomes below 0.00001.
gnomAD v4.1: 6 of 1,518,958 alleles (0.0004%); highest among the groups gnomAD compares: Non-Finnish European, 0.00054%; no homozygotes.

Submission:

GeneDx
Classification: Uncertain significance. Last evaluated: 2018-01-02. Review status: criteria provided, single submitter. Criteria: GeneDx Variant Classification (06012015). Collection method: clinical testing. Allele origin: germline. Affected: yes.
Comment: The c.5398-13T>A variant in the SETD2 gene has not been reported previously as a pathogenic variant nor as a benign variant, to our knowledge. This variant destroys the natural splice acceptor site in intron 11, and is expected to cause abnormal gene splicing. However, in the absence of RNA/functional studies, the actual effect of the c.5398-13T>A variant is unknown. The c.5398-13T>A variant is not observed in large population cohorts (Lek et al., 2016). We interpret c.5398-13T>A as a variant of uncertain significance.

NM_014159.7(SETD2):c.5398-13T>A

Gene: SETD2 (SET domain containing 2, histone lysine methyltransferase; minus strand). Cytogenetic location: 3p21.31.
Variant type: single nucleotide variant.
Coding change: c.5398-13T>A on transcript NM_014159.7 (MANE Select); 13 bases into the intron before coding-DNA position 5398, T replaced by A.
Molecular consequence: intron variant.
Genome position (GRCh38, 1-based): chr3:47,084,395, A>T on the plus strand (T>A on the coding strand, the complement: SETD2 is on the minus strand). VCF-style: chr3-47084395-A-T. GRCh37 (hg19) VCF-style: chr3-47125885-A-T.
Other names: c.5266-13T>A (NM_001349370.3).
Identifiers: ClinVar variation 489274 (VCV000489274.2), dbSNP rs1553690514, ClinGen allele CA658683339.